The following is an entry in ClinVar:

ClinVar aggregate classification (germline): Benign (1 of 4 stars; one submission).

Allele frequency attached by ClinVar (database versions not stated): 1000 Genomes Project 30x 0.54325; TOPMed 0.59975.
gnomAD v4.1: 707,304 of 1,108,568 alleles (64%); highest among the groups gnomAD compares: Non-Finnish European, 67%; 229,794 homozygotes.

Submission:

Unidad de Genómica Garrahan, Hospital de Pediatría Garrahan
Classification: Benign. Last evaluated: 2023-11-12. Review status: criteria provided, single submitter. Criteria: ACMG Guidelines, 2015. Collection method: clinical testing. Allele origin: germline. Affected: no. Observed: 74 variant alleles.
Comment: This variant is classified as Benign based on local population frequency. This variant was detected in 77% of patients studied by a panel of primary immunodeficiencies. Number of patients: 74. Only high quality variants are reported.

NM_021813.4(BACH2):c.2043+104C>G

Gene: BACH2 (BTB domain and CNC homolog 2; minus strand). Cytogenetic location: 6q15.
Variant type: single nucleotide variant.
Coding change: c.2043+104C>G on transcript NM_021813.4 (MANE Select); 104 bases into the intron after coding-DNA position 2043, C replaced by G.
Molecular consequence: intron variant.
Genome position (GRCh38, 1-based): chr6:89,938,040, G>C on the plus strand (C>G on the coding strand, the complement: BACH2 is on the minus strand). VCF-style: chr6-89938040-G-C. GRCh37 (hg19) VCF-style: chr6-90647759-G-C.
Other names: c.2043+104C>G (NM_001170794.2).
Identifiers: ClinVar variation 2628115 (VCV002628115.2), dbSNP rs182382, ClinGen allele CA12419848.